The following is an entry in ClinVar:

ClinVar aggregate classification (germline): Pathogenic (1 of 4 stars; one submission).

Submission:

GeneDx
Classification: Pathogenic. Last evaluated: 2017-09-29. Review status: criteria provided, single submitter. Criteria: GeneDx Variant Classification (06012015). Collection method: clinical testing. Allele origin: germline. Affected: yes.
Comment: The Y613X nonsense variant in the FGFR1 gene is predicted to cause loss of normal protein function either through protein truncation or nonsense-mediated mRNA decay. The variant is not observed in large population cohorts (Lek et al., 2016). Although this variant has not been reported previously to our knowledge, we consider it to be pathogenic.

NM_023110.3(FGFR1):c.1839T>G (p.Tyr613Ter)

Gene: FGFR1 (fibroblast growth factor receptor 1; minus strand). Cytogenetic location: 8p11.23.
Variant type: single nucleotide variant.
Coding change: c.1839T>G on transcript NM_023110.3 (MANE Select); coding-DNA position 1839, T replaced by G.
Protein change: p.Tyr613Ter; replaces tyrosine 613 with a stop codon.
Molecular consequence: nonsense.
Genome position (GRCh38, 1-based): chr8:38,415,885, A>C on the plus strand (T>G on the coding strand, the complement: FGFR1 is on the minus strand). VCF-style: chr8-38415885-A-C. GRCh37 (hg19) VCF-style: chr8-38273403-A-C.
Other names: c.1833T>G, p.Tyr611Ter (NM_001174063.2, NM_001174065.2, NM_001354367.2 and 1 more transcripts); c.1809T>G, p.Tyr603Ter (NM_001174064.2); c.1572T>G, p.Tyr524Ter (NM_001174066.2, NM_023105.3); c.1932T>G, p.Tyr644Ter (NM_001174067.2); c.1560T>G, p.Tyr520Ter (NM_001354368.2); c.1827T>G, p.Tyr609Ter (NM_001354369.2); c.1566T>G, p.Tyr522Ter (NM_001354370.2, NM_023106.3); short protein forms Y613*, Y520*, Y603*, Y611*, Y644*, Y522*, Y524*, Y609*.
Identifiers: ClinVar variation 452148 (VCV000452148.2), dbSNP rs1554549628, ClinGen allele CA370731547.